The following is an entry in ClinVar:

NM_006389.5(HYOU1):c.2317G>A (p.Gly773Arg)

Gene: HYOU1 (hypoxia up-regulated 1; minus strand). Cytogenetic location: 11q23.3.
Variant type: single nucleotide variant.
Coding change: c.2317G>A on transcript NM_006389.5 (MANE Select); coding-DNA position 2317, G replaced by A.
Protein change: p.Gly773Arg; replaces glycine 773 with arginine.
Molecular consequence: missense variant.
Genome position (GRCh38, 1-based): chr11:119,048,307, C>T on the plus strand (G>A on the coding strand, the complement: HYOU1 is on the minus strand). VCF-style: chr11-119048307-C-T. GRCh37 (hg19) VCF-style: chr11-118919019-C-T.
Other names: c.2317G>A, p.Gly773Arg (NM_001130991.3, NM_001411041.1); short protein forms G773R.
Identifiers: ClinVar variation 1908500 (VCV001908500.5), dbSNP rs782502902, ClinGen allele CA229618608.

ClinVar aggregate classification (germline): Uncertain significance (1 of 4 stars; one submission).

Allele frequency attached by ClinVar (database versions not stated): gnomAD 0.00001; gnomAD exomes 0.00001; TOPMed 0.00003.
gnomAD v4.1: 13 of 1,611,092 alleles (0.00081%); highest among the groups gnomAD compares: Admixed American, 0.0067%; no homozygotes.

Submission:

Labcorp Genetics (formerly Invitae), Labcorp
Classification: Uncertain significance. Last evaluated: 2025-10-02. Review status: criteria provided, single submitter. Criteria: Invitae Variant Classification Sherloc (09022015). Collection method: clinical testing. Allele origin: germline.
Comment: This sequence change replaces glycine, which is neutral and non-polar, with arginine, which is basic and polar, at codon 773 of the HYOU1 protein (p.Gly773Arg). This variant is present in population databases (rs782502902, gnomAD 0.006%). This variant has not been reported in the literature in individuals affected with HYOU1-related conditions. ClinVar contains an entry for this variant (Variation ID: 1908500). An algorithm developed to predict the effect of missense changes on protein structure and function (PolyPhen-2) suggests that this variant is likely to be tolerated. In summary, the available evidence is currently insufficient to determine the role of this variant in disease. Therefore, it has been classified as a Variant of Uncertain Significance.